The following is an entry in ClinVar:

ClinVar aggregate classification (germline): Uncertain significance (1 of 4 stars; one submission).

Conditions:
Hereditary spastic paraplegia 30. Identifiers: Orphanet 101010, MedGen C5235139, MONDO:0012476.

Submission:

Neuberg Centre For Genomic Medicine, NCGM
Classification: Uncertain significance for Spastic paraplegia 30A, autosomal dominant. Last evaluated: 2023-05-20. Review status: criteria provided, single submitter. Criteria: ACMG Guidelines, 2015. Collection method: clinical testing. Allele origin: germline. Inheritance: Autosomal dominant inheritance. Affected: yes.
Comment: The observed missense c.976G>C(p.Ala326Pro) variant in KIF1A gene has not been reported previously as a pathogenic variant nor as a benign variant, to our knowledge. The p.Ala326Pro variant is absent in gnomAD Exomes. This variant has not been submitted to the ClinVar database. Multiple lines of computational evidence (Polyphen - probably damaging , SIFT - damaging and MutationTaster - disease causing) predict a damaging effect on protein structure and function for this variant. The amino acid change p.Ala326Pro in KIF1A is predicted as conserved by GERP++ and PhyloP across 100 vertebrates. The amino acid Ala at position 326 is changed to a Pro changing protein sequence and it might alter its composition and physico-chemical properties. For these reasons, this variant has been classified as Variant of Uncertain Significance (VUS).

NM_001244008.2(KIF1A):c.976G>C (p.Ala326Pro)

Gene: KIF1A (kinesin family member 1A; minus strand). Cytogenetic location: 2q37.3.
Variant type: single nucleotide variant.
Coding change: c.976G>C on transcript NM_001244008.2 (MANE Select); coding-DNA position 976, G replaced by C.
Protein change: p.Ala326Pro; replaces alanine 326 with proline.
Molecular consequence: missense variant.
Genome position (GRCh38, 1-based): chr2:240,774,244, C>G on the plus strand (G>C on the coding strand, the complement: KIF1A is on the minus strand). VCF-style: chr2-240774244-C-G. GRCh37 (hg19) VCF-style: chr2-241713661-C-G.
Other names: c.976G>C, p.Ala326Pro (NM_001320705.2, NM_001330289.2, NM_001330290.2 and 20 more transcripts); short protein forms A326P.
Identifiers: ClinVar variation 3366991 (VCV003366991.1).